The following is an entry in ClinVar:

ClinVar aggregate classification (germline): Benign/Likely benign. Review status: criteria provided, multiple submitters, no conflicts (2 of 4 stars). 9 submissions from 9 submitters: Benign (3); Likely benign (5). 1 of the submissions does not count toward it. Last evaluated 2026-01-28.

Conditions:
Inborn genetic diseases. Identifiers: MedGen C0950123, MeSH D030342.
Neuronal ceroid lipofuscinosis 2. Also called: JANSKY-BIELSCHOWSKY DISEASE NEURONAL CEROID LIPOFUSCINOSIS, LATE INFANTILE; TPP1-Related Neuronal Ceroid-Lipofuscinosis. Identifiers: Orphanet 168491, Orphanet 228349, Orphanet 79264, MedGen C1876161, MONDO:0008769, OMIM 204500.

Allele frequency attached by ClinVar (database versions not stated): gnomAD exomes 0.00027 and 0.00087; ExAC 0.00114; gnomAD 0.00308 and 0.00324; TOPMed 0.00332; ESP Exome Variant Server 0.00385; 1000 Genomes Project 0.00579; 1000 Genomes Project 30x 0.00687.

Submissions (9):

Labcorp Genetics (formerly Invitae), Labcorp
Classification: Benign. Last evaluated: 2026-01-28. Review status: criteria provided, single submitter. Criteria: Invitae Variant Classification Sherloc (09022015). Collection method: clinical testing. Allele origin: germline.

CeGaT Center for Human Genetics Tuebingen
Classification: Likely benign. Last evaluated: 2026-01-01. Review status: criteria provided, single submitter. Criteria: CeGaT Center For Human Genetics Tuebingen Variant Classification Criteria Version 2. Collection method: clinical testing. Allele origin: germline. Affected: yes. Observed: 1 variant allele.
Comment: TPP1: BP4, BS1

Mayo Clinic Laboratories, Mayo Clinic
Classification: Benign. Last evaluated: 2024-11-05. Review status: criteria provided, single submitter. Criteria: ACMG Guidelines, 2015. Collection method: clinical testing. Allele origin: germline. Observed: 6 variant alleles.
Comment: BS1, BS2

Blueprint Genetics
Classification: Likely benign. Last evaluated: 2024-10-14. Review status: criteria provided, single submitter. Criteria: ACMG Guidelines, 2015. Collection method: clinical testing. Allele origin: germline.

ARUP Laboratories, Molecular Genetics and Genomics, ARUP Laboratories
Classification: Likely benign. Last evaluated: 2024-06-28. Review status: criteria provided, single submitter. Criteria: ARUP Molecular Germline Variant Investigation Process 2024. Collection method: clinical testing. Allele origin: germline.

Ambry Genetics
Classification: Likely benign for Inborn genetic diseases. Last evaluated: 2024-06-05. Review status: criteria provided, single submitter. Criteria: Ambry Variant Classification Scheme 2023. Collection method: clinical testing. Allele origin: germline.

GeneDx
Classification: Benign. Last evaluated: 2018-06-12. Review status: criteria provided, single submitter. Criteria: GeneDx Variant Classification Process June 2021. Collection method: clinical testing. Allele origin: germline. Affected: yes.

Athena Diagnostics
Classification: Likely benign. Last evaluated: 2016-09-19. Review status: criteria provided, single submitter. Criteria: Athena Diagnostics Criteria. Collection method: clinical testing. Allele origin: germline.

Natera, Inc.
Classification: Benign for Neuronal ceroid lipofuscinosis 2. Last evaluated: 2019-12-18. Review status: no assertion criteria provided. Collection method: clinical testing. Allele origin: germline. Not counted in ClinVar's aggregate classification.

NM_000391.4(TPP1):c.553C>T (p.Arg185Cys)

Gene: TPP1 (tripeptidyl peptidase 1; minus strand). Cytogenetic location: 11p15.4.
Variant type: single nucleotide variant.
Coding change: c.553C>T on transcript NM_000391.4 (MANE Select); coding-DNA position 553, C replaced by T.
Protein change: p.Arg185Cys; replaces arginine 185 with cysteine.
Molecular consequence: missense variant.
Genome position (GRCh38, 1-based): chr11:6,617,109, G>A on the plus strand (C>T on the coding strand, the complement: TPP1 is on the minus strand). VCF-style: chr11-6617109-G-A. GRCh37 (hg19) VCF-style: chr11-6638340-G-A.
Other names: p.R185C:CGT>TGT; short protein forms R185C.
Identifiers: ClinVar variation 207577 (VCV000207577.25), dbSNP rs34758634, ClinGen allele CA319180.